The following is an entry in ClinVar:

ClinVar aggregate classification (germline): Likely benign (1 of 4 stars; one submission).

Submission:

CeGaT Center for Human Genetics Tuebingen
Classification: Likely benign. Last evaluated: 2026-09-01. Review status: criteria provided, single submitter. Criteria: CeGaT Center For Human Genetics Tuebingen Variant Classification Criteria Version 2. Collection method: clinical testing. Allele origin: germline. Affected: yes. Observed: 1 variant allele.
Comment: TRIP12: PM2:Supporting, BP4, BP7

NM_001348323.3(TRIP12):c.5013G>A (p.Glu1671=)

Gene: TRIP12 (thyroid hormone receptor interactor 12; minus strand). Cytogenetic location: 2q36.3.
Variant type: single nucleotide variant.
Coding change: c.5013G>A on transcript NM_001348323.3 (MANE Select); coding-DNA position 5013, G replaced by A.
Protein change: p.Glu1671=; no amino-acid change (glutamic acid 1671 retained).
Molecular consequence: synonymous variant.
Genome position (GRCh38, 1-based): chr2:229,785,838, C>T on the plus strand (G>A on the coding strand, the complement: TRIP12 is on the minus strand). VCF-style: chr2-229785838-C-T. GRCh37 (hg19) VCF-style: chr2-230650554-C-T.
Other names: c.4932G>A, p.Glu1644= (NM_001284214.2, NM_001348315.2); c.4887G>A, p.Glu1629= (NM_001284215.2, NM_001348316.2); c.3978G>A, p.Glu1326= (NM_001284216.2); c.4872G>A, p.Glu1624= (NM_001348317.1, NM_001348318.2); c.4998G>A, p.Glu1666= (NM_001348319.1, NM_001348320.2); c.5001G>A, p.Glu1667= (NM_001348321.1); c.5013G>A, p.Glu1671= (NM_001348322.1, NM_001348324.2, NM_001348325.2 and 2 more transcripts); c.5016G>A, p.Glu1672= (NM_001348328.1, NM_001348329.2, NM_001348330.2); and 4 more.
Identifiers: ClinVar variation 5041597 (VCV005041597.1).
Genomic context (GRCh38, chr2:229,785,838, plus strand): 5'-TAACATGGCCCGTGAGCTGCCGAGGTCCTGCATCACAGACTCCGCCTGTTTCAGCAGCTC[C>T]TCTCGGTTCACAGTACGCTACAAAGAAAGTACAACTGTCAGGAAACTATGCTCTACCCAT-3'
Protein context (NP_001335252.1, residues 1661-1681): LDRKKRTVNR[Glu1671=]ELLKQAESVM